The following is an entry in ClinVar:

ClinVar aggregate classification (germline): Uncertain significance (1 of 4 stars; one submission).

Submission:

Labcorp Genetics (formerly Invitae), Labcorp
Classification: Uncertain significance. Last evaluated: 2024-04-16. Review status: criteria provided, single submitter. Criteria: Invitae Variant Classification Sherloc (09022015). Collection method: clinical testing. Allele origin: germline.
Comment: This sequence change replaces asparagine, which is neutral and polar, with lysine, which is basic and polar, at codon 263 of the XRCC2 protein (p.Asn263Lys). This variant is not present in population databases (gnomAD no frequency). This variant has not been reported in the literature in individuals affected with XRCC2-related conditions. ClinVar contains an entry for this variant (Variation ID: 1520709). Advanced modeling of protein sequence and biophysical properties (such as structural, functional, and spatial information, amino acid conservation, physicochemical variation, residue mobility, and thermodynamic stability) performed at Invitae indicates that this missense variant is not expected to disrupt XRCC2 protein function with a negative predictive value of 80%. Algorithms developed to predict the effect of sequence changes on RNA splicing suggest that this variant may create or strengthen a splice site. In summary, the available evidence is currently insufficient to determine the role of this variant in disease. Therefore, it has been classified as a Variant of Uncertain Significance.

NM_005431.2(XRCC2):c.789C>G (p.Asn263Lys)

Gene: XRCC2 (X-ray repair cross complementing 2; minus strand). Cytogenetic location: 7q36.1.
Variant type: single nucleotide variant.
Coding change: c.789C>G on transcript NM_005431.2 (MANE Select); coding-DNA position 789, C replaced by G.
Protein change: p.Asn263Lys; replaces asparagine 263 with lysine.
Molecular consequence: missense variant.
Genome position (GRCh38, 1-based): chr7:152,648,696, G>C on the plus strand (C>G on the coding strand, the complement: XRCC2 is on the minus strand). VCF-style: chr7-152648696-G-C. GRCh37 (hg19) VCF-style: chr7-152345781-G-C.
Other names: short protein forms N263K.
Identifiers: ClinVar variation 1520709 (VCV001520709.8), dbSNP rs1395130143, ClinGen allele CA370197935.
Genomic context (GRCh38, chr7:152,648,696, plus strand): 5'-TGTATATCAACAAAATTCAACCCCACTTTCTCCAATAATAAAAAAATGTTTTTTTAAACT[G>C]TTACTTTTTAAACAACGTGAAACTAATGAAAATTGGTTGCTGCTTTGAGAATCATCTTGT-3'
Protein context (NP_005422.1, residues 253-273): FSLVSRCLKS[Asn263Lys]SLKKHFFIIG